The following is an entry in ClinVar:

ClinVar aggregate classification (germline): Pathogenic (1 of 4 stars; one submission).

Submission:

Labcorp Genetics (formerly Invitae), Labcorp
Classification: Pathogenic. Last evaluated: 2022-08-23. Review status: criteria provided, single submitter. Criteria: Invitae Variant Classification Sherloc (09022015). Collection method: clinical testing. Allele origin: germline.
Comment: This sequence change creates a premature translational stop signal (p.Gln1581Leufs*29) in the HSPG2 gene. It is expected to result in an absent or disrupted protein product. Loss-of-function variants in HSPG2 are known to be pathogenic (PMID: 11279527, 16927315, 20542149, 23836246). This variant is not present in population databases (gnomAD no frequency). This variant has not been reported in the literature in individuals affected with HSPG2-related conditions. ClinVar contains an entry for this variant (Variation ID: 1403044). Algorithms developed to predict the effect of sequence changes on RNA splicing suggest that this variant may disrupt the consensus splice site. For these reasons, this variant has been classified as Pathogenic.

Literature cited by the submitters: PubMed 11279527; PubMed 16927315; PubMed 20542149; PubMed 23836246.

NM_005529.7(HSPG2):c.4736_4739dup (p.Gln1581fs)

Gene: HSPG2 (heparan sulfate proteoglycan 2; minus strand). Cytogenetic location: 1p36.12.
Variant type: Duplication.
Coding change: c.4736_4739dup on transcript NM_005529.7 (MANE Select); coding-DNA positions 4736 to 4739, 4 bases duplicated (CTCG; older notation c.4736_4739dupCTCG).
Protein change: p.Gln1581fs; shifts the reading frame from glutamine 1581.
Molecular consequence: frameshift variant.
Genome position (GRCh38, 1-based): chr1:21,864,100-21,864,103, CGAG duplicated on the plus strand (CTCG on the coding strand, the reverse complement: HSPG2 is on the minus strand); duplicating any 4 consecutive bases within chr1:21,864,100-21,864,104 gives the same sequence; the c. name uses the placement nearest the transcript's 3' end. VCF-style (leftmost placement, unchanged base first): chr1-21864099-C-CCGAG. GRCh37 (hg19) VCF-style: chr1-22190592-C-CCGAG.
Other names: c.4739_4742dup, p.Gln1582fs (NM_001291860.2); short protein forms Q1581fs, Q1582fs.
Identifiers: ClinVar variation 1403044 (VCV001403044.6), dbSNP rs2152735062, ClinGen allele CA2573132204.